The following is an entry in ClinVar:

ClinVar aggregate classification (germline): Pathogenic/Likely pathogenic. Review status: criteria provided, multiple submitters, no conflicts (2 of 4 stars). 5 submissions from 5 submitters: Pathogenic (3); Likely pathogenic (1). 1 of the submissions does not count toward it. Last evaluated 2025-06-16.

Conditions:
Citrullinemia. Identifiers: Orphanet 187, MedGen C0175683, MONDO:0015991.
Citrullinemia type I (CTNL1). Also called: ASS DEFICIENCY; argininosuccinate synthetase deficiency. Identifiers: Orphanet 247525, MedGen C4721769, MONDO:0008988, OMIM 215700.

Submissions (5):

Labcorp Genetics (formerly Invitae), Labcorp
Classification: Pathogenic for Citrullinemia. Last evaluated: 2025-06-16. Review status: criteria provided, single submitter. Criteria: Invitae Variant Classification Sherloc (09022015). Collection method: clinical testing. Allele origin: germline.
Comment: This sequence change creates a premature translational stop signal (p.Phe150Leufs*9) in the ASS1 gene. It is expected to result in an absent or disrupted protein product. Loss-of-function variants in ASS1 are known to be pathogenic (PMID: 18473344, 19006241). This variant is present in population databases (rs765638698, gnomAD 0.0009%). This premature translational stop signal has been observed in individual(s) with citrullinemia type I (PMID: 19006241; internal data). ClinVar contains an entry for this variant (Variation ID: 189044). For these reasons, this variant has been classified as Pathogenic.

Natera, Inc.
Classification: Pathogenic for Citrullinemia type I. Last evaluated: 2025-02-17. Review status: criteria provided, single submitter. Criteria: Natera Variant Classification Schema (03/2026). Collection method: clinical testing. Allele origin: germline.
Comment: The c.450_451delCT variant in ASS1 is a frameshift variant predicted to shift the reading frame beginning at codon 150 and leads to a stop codon 9 codons downstream. This variant is expected to result in nonsense mediated decay, truncation, or a dysfunctional protein product. This variant is rare in the general population with a frequency below the threshold expected for the associated phenotype(s). This variant has been observed in one or more individuals affected with the associated recessive disease, as either homozygous or compound heterozygous with a second variant (PMID: 31469252). Given the available evidence, this variant is classified as Pathogenic.

Baylor Genetics
Classification: Pathogenic for Citrullinemia type I. Last evaluated: 2023-06-03. Review status: criteria provided, single submitter. Criteria: ACMG Guidelines, 2015. Collection method: clinical testing. Allele origin: unknown.

Women's Health and Genetics/Laboratory Corporation of America, LabCorp
Classification: Likely pathogenic for Citrullinemia. Last evaluated: 2022-11-08. Review status: criteria provided, single submitter. Criteria: LabCorp Variant Classification Summary - May 2015. Collection method: clinical testing. Allele origin: germline.
Comment: Variant summary: ASS1 c.450_451delCT (p.Phe150LeufsX9) results in a premature termination codon, predicted to cause a truncation of the encoded protein or absence of the protein due to nonsense mediated decay, which are commonly known mechanisms for disease. Truncations downstream of this position have been classified as pathogenic by our laboratory. The variant was absent in 251338 control chromosomes (gnomAD). c.450_451delCT has been reported in the literature in individuals affected with Citrullinemia Type I (examples: Engel_2009, Diez-Fernandez_2017). These data indicate that the variant may be associated with disease. To our knowledge, no experimental evidence demonstrating an impact on protein function has been reported. One clinical diagnostic laboratory has submitted clinical-significance assessments for this variant to ClinVar after 2014 and classified the variant as pathogenic. Based on the evidence outlined above, the variant was classified as likely pathogenic.

Counsyl
Classification: Likely pathogenic for Citrullinemia type I. Last evaluated: 2014-11-06. Review status: no assertion criteria provided. Collection method: literature only. Allele origin: unknown. Inheritance: Autosomal recessive inheritance. Not counted in ClinVar's aggregate classification.

Literature cited by the submitters: PubMed 18473344 (cited by Labcorp Genetics (formerly Invitae), Labcorp); PubMed 19006241 (cited by 3 submitters); PubMed 31469252 (cited by Natera, Inc.); PubMed 24508627 (cited by Women's Health and Genetics/Laboratory Corporation of America, LabCorp); PubMed 28111830 (cited by Women's Health and Genetics/Laboratory Corporation of America, LabCorp).

NM_054012.4(ASS1):c.450_451del (p.Phe150fs)

Gene: ASS1 (argininosuccinate synthase 1; plus strand). Cytogenetic location: 9q34.11.
Variant type: Deletion.
Coding change: c.450_451del on transcript NM_054012.4 (MANE Select); coding-DNA positions 450 to 451, 2 bases deleted (CT; older notation c.450_451delCT).
Protein change: p.Phe150fs; shifts the reading frame from phenylalanine 150.
Molecular consequence: frameshift variant.
Genome position (GRCh38, 1-based): chr9:130,466,754-130,466,755, CT deleted; deleting any 2 consecutive bases within chr9:130,466,753-130,466,755 gives the same sequence; the c. name uses the placement nearest the transcript's 3' end. VCF-style (leftmost placement, unchanged base first): chr9-130466752-TTC-T. GRCh37 (hg19) VCF-style: chr9-133342139-TTC-T.
Other names: c.450_451del, p.Phe150fs (NM_000050.4); c.450_451delCT (NM_000050.4); short protein forms F150fs.
Identifiers: ClinVar variation 189044 (VCV000189044.14), dbSNP rs786204648, ClinGen allele CA274314.